The following is an entry in ClinVar:

ClinVar aggregate classification (germline): Uncertain significance (1 of 4 stars; one submission).

Submission:

GeneDx
Classification: Uncertain significance. Last evaluated: 2025-02-18. Review status: criteria provided, single submitter. Criteria: GeneDx Variant Classification Process June 2021. Collection method: clinical testing. Allele origin: germline. Affected: yes.
Comment: Not observed at significant frequency in large population cohorts (gnomAD); In silico analysis supports that this missense variant has a deleterious effect on protein structure/function; Has not been previously published as pathogenic or benign to our knowledge

NM_024408.4(NOTCH2):c.3664T>C (p.Cys1222Arg)

Gene: NOTCH2 (notch receptor 2; minus strand). Cytogenetic location: 1p12.
Variant type: single nucleotide variant.
Coding change: c.3664T>C on transcript NM_024408.4 (MANE Select); coding-DNA position 3664, T replaced by C.
Protein change: p.Cys1222Arg; replaces cysteine 1222 with arginine.
Molecular consequence: missense variant.
Genome position (GRCh38, 1-based): chr1:119,929,204, A>G on the plus strand (T>C on the coding strand, the complement: NOTCH2 is on the minus strand). VCF-style: chr1-119929204-A-G. GRCh37 (hg19) VCF-style: chr1-120471827-A-G.
Other names: short protein forms C1222R.
Identifiers: ClinVar variation 4075655 (VCV004075655.1).
Genomic context (GRCh38, chr1:119,929,204, plus strand): 5'-TGCACTGACCACCATTAAGGCAATGGGGACCCCGGGCACAGTCATCAATGTTCTCTTCAC[A>G]GAGTAGGCCTGGAGGAAAGAGAAGAGGTACAGAATTATGAAAATCCTTTTAACCTGCTTT-3'
Protein context (NP_077719.2, residues 1212-1232): SCPPGTRGLL[Cys1222Arg]EENIDDCARG